The following is an entry in ClinVar:

ClinVar aggregate classification (germline): Uncertain significance (1 of 4 stars; one submission).

Submission:

Labcorp Genetics (formerly Invitae), Labcorp
Classification: Uncertain significance. Last evaluated: 2021-09-10. Review status: criteria provided, single submitter. Criteria: Invitae Variant Classification Sherloc (09022015). Collection method: clinical testing. Allele origin: germline.
Comment: In summary, the available evidence is currently insufficient to determine the role of this variant in disease. Therefore, it has been classified as a Variant of Uncertain Significance. Algorithms developed to predict the effect of missense changes on protein structure and function are either unavailable or do not agree on the potential impact of this missense change (SIFT: "Not Available"; PolyPhen-2: "Benign"; Align-GVGD: "Not Available"). ClinVar contains an entry for this variant (Variation ID: 1046833). This variant has not been reported in the literature in individuals affected with NTHL1-related conditions. This variant is not present in population databases (ExAC no frequency). This sequence change replaces lysine with asparagine at codon 75 of the NTHL1 protein (p.Lys75Asn). The lysine residue is weakly conserved and there is a moderate physicochemical difference between lysine and asparagine.

NM_002528.7(NTHL1):c.201A>C (p.Lys67Asn)

Gene: NTHL1 (nth like DNA glycosylase 1; minus strand). Cytogenetic location: 16p13.3.
Variant type: single nucleotide variant.
Coding change: c.201A>C on transcript NM_002528.7 (MANE Select); coding-DNA position 201, A replaced by C.
Protein change: p.Lys67Asn; replaces lysine 67 with asparagine.
Molecular consequence: missense variant.
Genome position (GRCh38, 1-based): chr16:2,046,281, T>G on the plus strand (A>C on the coding strand, the complement: NTHL1 is on the minus strand). VCF-style: chr16-2046281-T-G. GRCh37 (hg19) VCF-style: chr16-2096282-T-G.
Other names: c.201A>C, p.Lys67Asn (NM_001318193.2); c.23A>C, p.Lys8Thr (NM_001318194.2); short protein forms K67N, K8T.
Identifiers: ClinVar variation 1046833 (VCV001046833.6), dbSNP rs2084378720, ClinGen allele CA394297592.